The following is an entry in ClinVar:

ClinVar aggregate classification (germline): Benign/Likely benign. Review status: criteria provided, multiple submitters, no conflicts (2 of 4 stars). 9 submissions from 9 submitters: Benign (5); Likely benign (3). 1 of the submissions does not count toward it. Last evaluated 2026-01-28.

Conditions:
Hajdu-Cheney syndrome (HJCYS). Also called: SERPENTINE FIBULA-POLYCYSTIC KIDNEY SYNDROME; ACROOSTEOLYSIS WITH OSTEOPOROSIS AND CHANGES IN SKULL AND MANDIBLE; Acroosteolysis dominant type. Identifiers: Orphanet 955, MedGen C0917715, MONDO:0007057, OMIM 102500.

Allele frequency attached by ClinVar (database versions not stated): gnomAD exomes 0.00067 and 0.00019; ExAC 0.00079; 1000 Genomes Project 30x 0.00125; 1000 Genomes Project 0.00140; gnomAD 0.00247 and 0.00266; TOPMed 0.00267; ESP Exome Variant Server 0.00284.
gnomAD v4.1: 671 of 1,614,184 alleles (0.042%); highest among the groups gnomAD compares: African/African-American, 0.76%; 3 homozygotes.

Submissions (9):

Labcorp Genetics (formerly Invitae), Labcorp
Classification: Benign for Hajdu-Cheney syndrome. Last evaluated: 2026-01-28. Review status: criteria provided, single submitter. Criteria: Invitae Variant Classification Sherloc (09022015). Collection method: clinical testing. Allele origin: germline.

Mayo Clinic Laboratories, Mayo Clinic
Classification: Likely benign. Last evaluated: 2025-06-20. Review status: criteria provided, single submitter. Criteria: ACMG Guidelines, 2015. Collection method: clinical testing. Allele origin: germline. Observed: 3 variant alleles.
Comment: BS1, BP4_moderate

Blueprint Genetics
Classification: Likely benign. Last evaluated: 2024-08-07. Review status: criteria provided, single submitter. Criteria: ACMG Guidelines, 2015. Collection method: clinical testing. Allele origin: germline.

CeGaT Center for Human Genetics Tuebingen
Classification: Likely benign. Last evaluated: 2023-03-01. Review status: criteria provided, single submitter. Criteria: CeGaT Center For Human Genetics Tuebingen Variant Classification Criteria Version 2. Collection method: clinical testing. Allele origin: germline. Affected: yes. Observed: 1 variant allele.
Comment: NOTCH2: PP2, BP4, BS1

GeneDx
Classification: Benign. Last evaluated: 2020-05-18. Review status: criteria provided, single submitter. Criteria: GeneDx Variant Classification Process June 2021. Collection method: clinical testing. Allele origin: germline. Affected: yes.

Center for Pediatric Genomic Medicine, Children's Mercy Hospital and Clinics
Classification: Benign. Last evaluated: 2017-06-19. Review status: criteria provided, single submitter. Criteria: ACMG Guidelines, 2015. Collection method: clinical testing. Allele origin: germline.

Eurofins Ntd Llc (ga)
Classification: Benign. Last evaluated: 2016-08-02. Review status: criteria provided, single submitter. Criteria: EGL Classification Definitions 2015. Collection method: clinical testing. Allele origin: germline. Observed: 1 variant allele, 1 heterozygote.

Breakthrough Genomics
Classification: Benign. Review status: criteria provided, single submitter. Criteria: ACMG Guidelines, 2015. Collection method: not provided. Allele origin: germline. Inheritance: Autosomal dominant inheritance. Affected: yes.

ITMI
No classification provided. Condition: AllHighlyPenetrant. Last evaluated: 2013-09-19. Review status: no classification provided. Collection method: reference population. Allele origin: germline. Not counted in ClinVar's aggregate classification.
Comment: Please see associated publication for description of ethnicities

Literature cited by the submitters: PubMed 24728327 (cited by ITMI).

NM_024408.4(NOTCH2):c.2585C>T (p.Ala862Val)

Gene: NOTCH2 (notch receptor 2; minus strand). Cytogenetic location: 1p12.
Variant type: single nucleotide variant.
Coding change: c.2585C>T on transcript NM_024408.4 (MANE Select); coding-DNA position 2585, C replaced by T.
Protein change: p.Ala862Val; replaces alanine 862 with valine.
Molecular consequence: missense variant.
Genome position (GRCh38, 1-based): chr1:119,949,021, G>A on the plus strand (C>T on the coding strand, the complement: NOTCH2 is on the minus strand). VCF-style: chr1-119949021-G-A. GRCh37 (hg19) VCF-style: chr1-120491644-G-A.
Other names: p.Ala862Val; c.2585C>T, p.Ala862Val (NM_001200001.2); short protein forms A862V.
Identifiers: ClinVar variation 134963 (VCV000134963.45), dbSNP rs35656321, ClinGen allele CA161253.